The following is an entry in ClinVar:

ClinVar aggregate classification (germline): Uncertain significance (1 of 4 stars; one submission).

Conditions:
Kostmann syndrome (SCN3). Also called: KOSTMANN DISEASE; Autosomal recessive severe congenital neutropenia type 3. Identifiers: Orphanet 99749, MedGen C5235141, MONDO:0012548, OMIM 610738.

Submission:

Labcorp Genetics (formerly Invitae), Labcorp
Classification: Uncertain significance for Kostmann syndrome. Last evaluated: 2023-01-31. Review status: criteria provided, single submitter. Criteria: Invitae Variant Classification Sherloc (09022015). Collection method: clinical testing. Allele origin: germline.
Comment: This variant is not present in population databases (gnomAD no frequency). This sequence change results in a frameshift in the HAX1 gene (p.Ile267Thrfs*34). While this is not anticipated to result in nonsense mediated decay, it is expected to disrupt the last 13 amino acid(s) of the HAX1 protein and extend the protein by 20 additional amino acid residues. This variant has not been reported in the literature in individuals affected with HAX1-related conditions. In summary, the available evidence is currently insufficient to determine the role of this variant in disease. Therefore, it has been classified as a Variant of Uncertain Significance. Experimental studies and prediction algorithms are not available or were not evaluated, and the functional significance of this variant is currently unknown.

NM_006118.4(HAX1):c.800del (p.Ile267fs)

Gene: HAX1 (HCLS1 associated protein X-1; plus strand). Cytogenetic location: 1q21.3.
Variant type: Deletion.
Coding change: c.800del on transcript NM_006118.4 (MANE Select); coding-DNA position 800, one base deleted (T; older notation c.800delT).
Protein change: p.Ile267fs; shifts the reading frame from isoleucine 267.
Molecular consequence: frameshift variant.
Genome position (GRCh38, 1-based): chr1:154,275,661, T deleted. VCF-style (leftmost placement, unchanged base first): chr1-154275660-AT-A. GRCh37 (hg19) VCF-style: chr1-154248136-AT-A.
Other names: c.656del, p.Ile219fs (NM_001018837.2); short protein forms I267fs, I219fs.
Identifiers: ClinVar variation 2833255 (VCV002833255.3), dbSNP rs2524939425, ClinGen allele CA2739275296.